The following is an entry in ClinVar:

NM_001009999.3(KDM1A):c.*9C>A

Gene: KDM1A (lysine demethylase 1A; plus strand). Cytogenetic location: 1p36.12.
Variant type: single nucleotide variant.
Coding change: c.*9C>A on transcript NM_001009999.3 (MANE Select); 9 bases downstream of the stop codon, C replaced by A.
Molecular consequence: 3 prime UTR variant.
Genome position (GRCh38, 1-based): chr1:23,083,373, C>A. VCF-style: chr1-23083373-C-A. GRCh37 (hg19) VCF-style: chr1-23409866-C-A.
Other names: c.*9C>A (NM_001363654.2, NM_001410762.1, NM_015013.4); c.*888C>A (NM_001410763.1).
Identifiers: ClinVar variation 3049013 (VCV003049013.2), dbSNP rs200640253, ClinGen allele CA2740090620.

ClinVar aggregate classification (germline): Likely benign (0 of 4 stars; one submission).

Conditions:
KDM1A-related disorder. Also called: KDM1A-related condition.

Submission:

PreventionGenetics, part of Exact Sciences
Classification: Likely benign for KDM1A-related condition. Last evaluated: 2023-06-02. Review status: no assertion criteria provided. Collection method: clinical testing. Allele origin: germline.
Comment: This variant is classified as likely benign based on ACMG/AMP sequence variant interpretation guidelines (Richards et al. 2015 PMID: 25741868, with internal and published modifications).